The following is an entry in ClinVar:

ClinVar aggregate classification (germline): Conflicting classifications of pathogenicity. Review status: criteria provided, conflicting classifications (1 of 4 stars). 3 submissions from 3 submitters: Pathogenic (1); Uncertain significance (2). Last evaluated 2022-11-01.

Conditions:
Retinitis pigmentosa (RP). Identifiers: Orphanet 791, MedGen C0035334, MeSH D012174, MONDO:0019200, OMIM 268000. Inheritance: Autosomal dominant, autosomal recessive and X linked inheritance.

Allele frequency attached by ClinVar (database versions not stated): gnomAD exomes below 0.00001; ExAC 0.00001.
gnomAD v4.1: 3 of 1,598,778 alleles (0.00019%); highest among the groups gnomAD compares: Non-Finnish European, 0.00026%; no homozygotes.

Submissions (3):

Labcorp Genetics (formerly Invitae), Labcorp
Classification: Uncertain significance. Last evaluated: 2022-11-01. Review status: criteria provided, single submitter. Criteria: Invitae Variant Classification Sherloc (09022015). Collection method: clinical testing. Allele origin: germline.
Comment: This variant is present in population databases (rs775105637, gnomAD 0.0009%). This sequence change falls in intron 6 of the IMPG2 gene. It does not directly change the encoded amino acid sequence of the IMPG2 protein. It affects a nucleotide within the consensus splice site. This variant has not been reported in the literature in individuals affected with IMPG2-related conditions. In summary, the available evidence is currently insufficient to determine the role of this variant in disease. Therefore, it has been classified as a Variant of Uncertain Significance. Variants that disrupt the consensus splice site are a relatively common cause of aberrant splicing (PMID: 17576681, 9536098). Algorithms developed to predict the effect of sequence changes on RNA splicing suggest that this variant may disrupt the consensus splice site. ClinVar contains an entry for this variant (Variation ID: 493366).

Molecular Genetics Laboratory, Institute for Ophthalmic Research
Classification: Pathogenic for Retinitis pigmentosa. Last evaluated: 2020-01-09. Review status: criteria provided, single submitter. Criteria: ACMG Guidelines, 2015. Collection method: research. Allele origin: germline. Affected: yes.

CeGaT Center for Human Genetics Tuebingen
Classification: Uncertain significance. Last evaluated: 2017-07-01. Review status: criteria provided, single submitter. Criteria: CeGaT Center For Human Genetics Tuebingen Variant Classification Criteria Version 2. Collection method: clinical testing. Allele origin: germline. Affected: yes. Observed: 1 variant allele.

Literature cited by the submitters: PubMed 17576681 (cited by Labcorp Genetics (formerly Invitae), Labcorp); PubMed 9536098 (cited by Labcorp Genetics (formerly Invitae), Labcorp).

NM_016247.4(IMPG2):c.666+5G>A

Gene: IMPG2 (interphotoreceptor matrix proteoglycan 2; minus strand). Cytogenetic location: 3q12.3.
Variant type: single nucleotide variant.
Coding change: c.666+5G>A on transcript NM_016247.4 (MANE Select); 5 bases into the intron after coding-DNA position 666, G replaced by A.
Molecular consequence: intron variant.
Genome position (GRCh38, 1-based): chr3:101,275,658, C>T on the plus strand (G>A on the coding strand, the complement: IMPG2 is on the minus strand). VCF-style: chr3-101275658-C-T. GRCh37 (hg19) VCF-style: chr3-100994502-C-T.
Identifiers: ClinVar variation 493366 (VCV000493366.49), dbSNP rs775105637, ClinGen allele CA2519415.
Genomic context (GRCh38, chr3:101,275,658, plus strand): 5'-TAAACTCTCTCTTAATCTCTATGTTCCATGTTAGAAACTAACTAACAAAACAGAGCATCA[C>T]TCACACTCTCCTCTGGCCTTTCCAAGCTGCTCTCTGAGGCACCTTCATAGGCGTCCACCT-3'